The following is an entry in ClinVar:

NM_001009944.3(PKD1):c.10005C>T (p.Pro3335=)

Gene: PKD1 (polycystin 1, transient receptor potential channel interacting; minus strand). Cytogenetic location: 16p13.3.
Variant type: single nucleotide variant.
Coding change: c.10005C>T on transcript NM_001009944.3 (MANE Select); coding-DNA position 10005, C replaced by T.
Protein change: p.Pro3335=; no amino-acid change (proline 3335 retained).
Molecular consequence: synonymous variant.
Genome position (GRCh38, 1-based): chr16:2,099,689, G>A on the plus strand (C>T on the coding strand, the complement: PKD1 is on the minus strand). VCF-style: chr16-2099689-G-A. GRCh37 (hg19) VCF-style: chr16-2149690-G-A.
Other names: c.10005C>T, p.Pro3335= (NM_000296.4).
Identifiers: ClinVar variation 3036361 (VCV003036361.2), dbSNP rs778931785, ClinGen allele CA7829862.
Genomic context (GRCh38, chr16:2,099,689, plus strand): 5'-CCAGCCCCAGCCCACCTTGCTCCGGGACATCCGGAAGAGAAAAAGGATGGCCAGGTAGAC[G>A]GGATAGACAACCACGCTGGACACCAGGCCAACAGCGACTGTGTCGACGCTCAGCGGGCTC-3'
Protein context (NP_001009944.3, residues 3325-3345): VGLVSSVVVY[Pro3335=]VYLAILFLFR

ClinVar aggregate classification (germline): Likely benign (0 of 4 stars; one submission).

Conditions:
PKD1-related disorder. Also called: PKD1-related condition.

Allele frequency attached by ClinVar (database versions not stated): gnomAD exomes 0.00004; ExAC 0.00007; gnomAD 0.00008; 1000 Genomes Project 30x 0.00016.
gnomAD v4.1: 66 of 1,594,384 alleles (0.0041%); highest among the groups gnomAD compares: East Asian, 0.038%; no homozygotes.

Submission:

PreventionGenetics, part of Exact Sciences
Classification: Likely benign for PKD1-related condition. Last evaluated: 2022-11-28. Review status: no assertion criteria provided. Collection method: clinical testing. Allele origin: germline.
Comment: This variant is classified as likely benign based on ACMG/AMP sequence variant interpretation guidelines (Richards et al. 2015 PMID: 25741868, with internal and published modifications).